The following is an entry in ClinVar:

NM_001134363.3(RBM20):c.1338-10C>T

Gene: RBM20 (RNA binding motif protein 20; plus strand). Cytogenetic location: 10q25.2.
Variant type: single nucleotide variant.
Coding change: c.1338-10C>T on transcript NM_001134363.3 (MANE Select); 10 bases into the intron before coding-DNA position 1338, C replaced by T.
Molecular consequence: intron variant.
Genome position (GRCh38, 1-based): chr10:110,784,331, C>T. VCF-style: chr10-110784331-C-T. GRCh37 (hg19) VCF-style: chr10-112544089-C-T.
Other names: c.1338-10C>T (LRG_382t1).
Identifiers: ClinVar variation 390511 (VCV000390511.1), dbSNP rs1057523804, ClinGen allele CA16606619.

ClinVar aggregate classification (germline): Likely benign (1 of 4 stars; one submission).

Allele frequency attached by ClinVar (database versions not stated): gnomAD exomes below 0.00001; TOPMed below 0.00001.

Submission:

GeneDx
Classification: Likely benign. Last evaluated: 2016-11-03. Review status: criteria provided, single submitter. Criteria: GeneDx Variant Classification (06012015). Collection method: clinical testing. Allele origin: germline. Affected: yes.
Comment: This variant is considered likely benign or benign based on one or more of the following criteria: it is a conservative change, it occurs at a poorly conserved position in the protein, it is predicted to be benign by multiple in silico algorithms, and/or has population frequency not consistent with disease.